The following is an entry in ClinVar:

ClinVar aggregate classification (germline): Uncertain significance (1 of 4 stars; one submission).

Conditions:
Immunodeficiency 104. Also called: Severe combined immunodeficiency, autosomal recessive, T cell-negative, B cell-positive, NK cell-positive; IMMUNODEFICIENCY 104, SEVERE COMBINED; SCID, AUTOSOMAL RECESSIVE, T CELL-NEGATIVE, B CELL-POSITIVE, NK CELL-POSITIVE; Severe Combined Immune Deficiency, Autosomal Recessive, TCell -Negative, B Cell-Positive, NK Cell-Positive, IL7R-Related. Identifiers: MedGen C5676890, MONDO:0012163, OMIM 608971.

gnomAD v4.1: 1 of 1,614,122 alleles (0.000062%); highest among the groups gnomAD compares: Non-Finnish European, 0.000085%; no homozygotes.

Submission:

Labcorp Genetics (formerly Invitae), Labcorp
Classification: Uncertain significance for Immunodeficiency 104. Last evaluated: 2022-08-21. Review status: criteria provided, single submitter. Criteria: Invitae Variant Classification Sherloc (09022015). Collection method: clinical testing. Allele origin: germline.
Comment: In summary, the available evidence is currently insufficient to determine the role of this variant in disease. Therefore, it has been classified as a Variant of Uncertain Significance. Advanced modeling of protein sequence and biophysical properties (such as structural, functional, and spatial information, amino acid conservation, physicochemical variation, residue mobility, and thermodynamic stability) performed at Invitae indicates that this missense variant is not expected to disrupt IL7R protein function. This variant has not been reported in the literature in individuals affected with IL7R-related conditions. This variant is not present in population databases (gnomAD no frequency). This sequence change replaces phenylalanine, which is neutral and non-polar, with tyrosine, which is neutral and polar, at codon 361 of the IL7R protein (p.Phe361Tyr).

NM_002185.5(IL7R):c.1082T>A (p.Phe361Tyr)

Gene: IL7R (interleukin 7 receptor; plus strand). Cytogenetic location: 5p13.2.
Variant type: single nucleotide variant.
Coding change: c.1082T>A on transcript NM_002185.5 (MANE Select); coding-DNA position 1082, T replaced by A.
Protein change: p.Phe361Tyr; replaces phenylalanine 361 with tyrosine.
Molecular consequence: missense variant. On other transcripts: non-coding transcript variant (1).
Genome position (GRCh38, 1-based): chr5:35,876,188, T>A. VCF-style: chr5-35876188-T-A. GRCh37 (hg19) VCF-style: chr5-35876290-T-A.
Other names: c.*199T>A (NM_001410734.1); short protein forms F361Y.
Identifiers: ClinVar variation 1717516 (VCV001717516.6), dbSNP rs200061456, ClinGen allele CA359432783.